The following is an entry in ClinVar:

NM_182641.4(BPTF):c.352C>T (p.Arg118Trp)

Gene: BPTF (bromodomain PHD finger transcription factor; plus strand). Cytogenetic location: 17q24.2.
Variant type: single nucleotide variant.
Coding change: c.352C>T on transcript NM_182641.4 (MANE Select); coding-DNA position 352, C replaced by T.
Protein change: p.Arg118Trp; replaces arginine 118 with tryptophan.
Molecular consequence: missense variant.
Genome position (GRCh38, 1-based): chr17:67,826,076, C>T. VCF-style: chr17-67826076-C-T. GRCh37 (hg19) VCF-style: chr17-65822192-C-T.
Other names: c.352C>T, p.Arg118Trp (NM_004459.7); short protein forms R118W.
Identifiers: ClinVar variation 2006465 (VCV002006465.4), dbSNP rs745793693, ClinGen allele CA8724957.

ClinVar aggregate classification (germline): Uncertain significance (1 of 4 stars; one submission).

Allele frequency attached by ClinVar (database versions not stated): gnomAD exomes below 0.00001.
gnomAD v4.1: 4 of 1,294,820 alleles (0.00031%); highest among the groups gnomAD compares: Non-Finnish European, 0.00042%; no homozygotes.

Submission:

Labcorp Genetics (formerly Invitae), Labcorp
Classification: Uncertain significance. Last evaluated: 2022-11-01. Review status: criteria provided, single submitter. Criteria: Invitae Variant Classification Sherloc (09022015). Collection method: clinical testing. Allele origin: germline.
Comment: In summary, the available evidence is currently insufficient to determine the role of this variant in disease. Therefore, it has been classified as a Variant of Uncertain Significance. Algorithms developed to predict the effect of missense changes on protein structure and function are either unavailable or do not agree on the potential impact of this missense change (SIFT: "Deleterious"; PolyPhen-2: "Not Available"; Align-GVGD: "Class C0"). This missense change has been observed in individual(s) with clinical features of BPTF-related conditions (Invitae). This variant is present in population databases (rs745793693, gnomAD 0.003%). This sequence change replaces arginine, which is basic and polar, with tryptophan, which is neutral and slightly polar, at codon 118 of the BPTF protein (p.Arg118Trp).